The following is an entry in ClinVar:

NM_007186.6(CEP250):c.601G>T (p.Asp201Tyr)

Gene: CEP250 (centrosomal protein 250; plus strand). Cytogenetic location: 20q11.22.
Variant type: single nucleotide variant.
Coding change: c.601G>T on transcript NM_007186.6 (MANE Select); coding-DNA position 601, G replaced by T.
Protein change: p.Asp201Tyr; replaces aspartic acid 201 with tyrosine.
Molecular consequence: missense variant. On other transcripts: 5 prime UTR variant (1).
Genome position (GRCh38, 1-based): chr20:35,467,305, G>T. VCF-style: chr20-35467305-G-T. GRCh37 (hg19) VCF-style: chr20-34055130-G-T.
Other names: c.-1299G>T (NM_001318219.1); short protein forms D201Y.
Identifiers: ClinVar variation 2118184 (VCV002118184.4), dbSNP rs2515603085, ClinGen allele CA408755289.

ClinVar aggregate classification (germline): Uncertain significance (1 of 4 stars; one submission).

Submission:

Labcorp Genetics (formerly Invitae), Labcorp
Classification: Uncertain significance. Last evaluated: 2022-03-27. Review status: criteria provided, single submitter. Criteria: Invitae Variant Classification Sherloc (09022015). Collection method: clinical testing. Allele origin: germline.
Comment: In summary, the available evidence is currently insufficient to determine the role of this variant in disease. Therefore, it has been classified as a Variant of Uncertain Significance. Algorithms developed to predict the effect of missense changes on protein structure and function are either unavailable or do not agree on the potential impact of this missense change (SIFT: "Not Available"; PolyPhen-2: "Probably Damaging"; Align-GVGD: "Not Available"). This variant has not been reported in the literature in individuals affected with CEP250-related conditions. This variant is not present in population databases (gnomAD no frequency). This sequence change replaces aspartic acid, which is acidic and polar, with tyrosine, which is neutral and polar, at codon 201 of the CEP250 protein (p.Asp201Tyr).